The following is an entry in ClinVar:

NM_001399.5(EDA):c.995G>A (p.Cys332Tyr)

Gene: EDA (ectodysplasin A; plus strand). Cytogenetic location: Xq13.1.
Variant type: single nucleotide variant.
Coding change: c.995G>A on transcript NM_001399.5 (MANE Select); coding-DNA position 995, G replaced by A.
Protein change: p.Cys332Tyr; replaces cysteine 332 with tyrosine.
Molecular consequence: missense variant.
Genome position (GRCh38, 1-based): chrX:70,035,428, G>A. VCF-style: chrX-70035428-G-A. GRCh37 (hg19) VCF-style: chrX-69255278-G-A.
Other names: c.989G>A, p.Cys330Tyr (NM_001005609.2); c.980G>A, p.Cys327Tyr (NM_001005612.3); short protein forms C332Y, C327Y, C330Y.
Identifiers: ClinVar variation 648233 (VCV000648233.8), dbSNP rs1602624745, ClinGen allele CA413449717.

ClinVar aggregate classification (germline): Likely pathogenic (1 of 4 stars; one submission).

Conditions:
Hypohidrotic X-linked ectodermal dysplasia (XHED). Also called: ECTODERMAL DYSPLASIA 1, HYPOHIDROTIC/HAIR/TOOTH TYPE, X-LINKED; Christ-Siemans-Touraine syndrome; Ectodermal Dysplasia 1, Anhidrotic; Anhidrotic ectodermal dysplasia X-linked; Christ Siemens Touraine syndrome; ECTODERMAL DYSPLASIA 1. Identifiers: Orphanet 181, Orphanet 238468, MedGen C0162359, MONDO:0010585, OMIM 305100.

Submission:

Labcorp Genetics (formerly Invitae), Labcorp
Classification: Likely pathogenic for Hypohidrotic X-linked ectodermal dysplasia. Last evaluated: 2018-08-17. Review status: criteria provided, single submitter. Criteria: Invitae Variant Classification Sherloc (09022015). Collection method: clinical testing. Allele origin: germline.
Comment: This sequence change replaces cysteine with tyrosine at codon 332 of the EDA protein (p.Cys332Tyr). The cysteine residue is highly conserved and there is a large physicochemical difference between cysteine and tyrosine. This variant is not present in population databases (ExAC no frequency). This variant has been observed in individuals with ectodermal dysplasia (PMID: 11295832, 25333067, Invitae). This variant is also known as c.1237G>A in the literature. Algorithms developed to predict the effect of missense changes on protein structure and function (SIFT, PolyPhen-2, Align-GVGD) all suggest that this variant is likely to be disruptive, but these predictions have not been confirmed by published functional studies and their clinical significance is uncertain. In summary, the currently available evidence indicates that the variant is pathogenic, but additional data are needed to prove that conclusively. Therefore, this variant has been classified as Likely Pathogenic.

Literature cited by the submitters: PubMed 11295832; PubMed 25333067.